The following is an entry in ClinVar:

ClinVar aggregate classification (germline): Uncertain significance. Review status: criteria provided, multiple submitters, no conflicts (2 of 4 stars). 2 submissions from 2 submitters: Uncertain significance (2). Last evaluated 2025-09-12.

Conditions:
Ataxia-telangiectasia-like disorder (ATLD). Identifiers: MedGen C1858391, MONDO:0011457.
Hereditary cancer-predisposing syndrome. Also called: Tumor predisposition; Hereditary Cancer Syndrome; Neoplastic Syndromes, Hereditary; Hereditary neoplastic syndrome. Identifiers: Orphanet 140162, MedGen C0027672, MeSH D009386, MONDO:0015356.

Allele frequency attached by ClinVar (database versions not stated): gnomAD exomes below 0.00001; TOPMed below 0.00001.
gnomAD v4.1: 1 of 1,430,868 alleles (0.00007%); highest among the groups gnomAD compares: South Asian, 0.0012%; no homozygotes.

Submissions (2):

Ambry Genetics
Classification: Uncertain significance for Hereditary cancer-predisposing syndrome. Last evaluated: 2025-09-12. Review status: criteria provided, single submitter. Criteria: Ambry Variant Classification Scheme 2023. Collection method: clinical testing. Allele origin: germline.
Comment: The p.D8N variant (also known as c.22G>A), located in coding exon 2 of the MRE11A gene, results from a G to A substitution at nucleotide position 22. The aspartic acid at codon 8 is replaced by asparagine, an amino acid with highly similar properties. This amino acid position is conserved. In addition, this alteration is predicted to be tolerated by in silico analysis. Since supporting evidence is limited at this time, the clinical significance of this alteration remains unclear.

Labcorp Genetics (formerly Invitae), Labcorp
Classification: Uncertain significance for Ataxia-telangiectasia-like disorder. Last evaluated: 2024-04-22. Review status: criteria provided, single submitter. Criteria: Invitae Variant Classification Sherloc (09022015). Collection method: clinical testing. Allele origin: germline.
Comment: This sequence change replaces aspartic acid, which is acidic and polar, with asparagine, which is neutral and polar, at codon 8 of the MRE11 protein (p.Asp8Asn). This variant is present in population databases (no rsID available, gnomAD 0.003%). This variant has not been reported in the literature in individuals affected with MRE11-related conditions. ClinVar contains an entry for this variant (Variation ID: 2414150). An algorithm developed to predict the effect of missense changes on protein structure and function (PolyPhen-2) suggests that this variant is likely to be tolerated. In summary, the available evidence is currently insufficient to determine the role of this variant in disease. Therefore, it has been classified as a Variant of Uncertain Significance.

NM_005591.4(MRE11):c.22G>A (p.Asp8Asn)

Gene: MRE11 (MRE11 double strand break repair nuclease; minus strand). Cytogenetic location: 11q21.
Variant type: single nucleotide variant.
Coding change: c.22G>A on transcript NM_005591.4 (MANE Select); coding-DNA position 22, G replaced by A.
Protein change: p.Asp8Asn; replaces aspartic acid 8 with asparagine.
Molecular consequence: missense variant.
Genome position (GRCh38, 1-based): chr11:94,490,964, C>T on the plus strand (G>A on the coding strand, the complement: MRE11 is on the minus strand). VCF-style: chr11-94490964-C-T. GRCh37 (hg19) VCF-style: chr11-94224130-C-T.
Other names: c.22G>A, p.Asp8Asn (NM_001330347.2, NM_005590.4); short protein forms D8N.
Identifiers: ClinVar variation 2414150 (VCV002414150.9), dbSNP rs1244361719, ClinGen allele CA382381181.